The following is an entry in ClinVar:

ClinVar aggregate classification (germline): Uncertain significance (1 of 4 stars; one submission).

Conditions:
Inborn genetic diseases. Identifiers: MedGen C0950123, MeSH D030342.

gnomAD v4.1: 9 of 1,611,954 alleles (0.00056%); highest among the groups gnomAD compares: Non-Finnish European, 0.00076%; no homozygotes.

Submission:

Ambry Genetics
Classification: Uncertain significance for Inborn genetic diseases. Last evaluated: 2025-03-21. Review status: criteria provided, single submitter. Criteria: Ambry Variant Classification Scheme 2023. Collection method: clinical testing. Allele origin: germline.
Comment: The p.N241S variant (also known as c.722A>G), located in coding exon 7 of the CEP57 gene, results from an A to G substitution at nucleotide position 722. The asparagine at codon 241 is replaced by serine, an amino acid with highly similar properties. This amino acid position is conserved. In addition, this alteration is predicted to be tolerated by in silico analysis. Based on the available evidence, the clinical significance of this variant remains unclear.

NM_014679.5(CEP57):c.722A>G (p.Asn241Ser)

Gene: CEP57 (centrosomal protein 57; plus strand). Cytogenetic location: 11q21.
Variant type: single nucleotide variant.
Coding change: c.722A>G on transcript NM_014679.5 (MANE Select); coding-DNA position 722, A replaced by G.
Protein change: p.Asn241Ser; replaces asparagine 241 with serine.
Molecular consequence: missense variant.
Genome position (GRCh38, 1-based): chr11:95,821,893, A>G. VCF-style: chr11-95821893-A-G. GRCh37 (hg19) VCF-style: chr11-95555057-A-G.
Other names: c.695A>G, p.Asn232Ser (NM_001243776.2); c.722A>G, p.Asn241Ser (NM_001243777.2); c.641A>G, p.Asn214Ser (NM_001363604.2); short protein forms N232S, N241S, N214S.
Identifiers: ClinVar variation 4000978 (VCV004000978.1).
Genomic context (GRCh38, chr11:95,821,893, plus strand): 5'-TTTCTACAGCATTAACTTGAGGCTCTCATTTTTCCTAGTTGCAGACTGGTCTAGAAACAA[A>G]TAGACTTATCTTTGAAGATAAGGCAACTCCGTGTGTTCCCAATGCAAGAAGAATTAAAAA-3'
Protein context (NP_055494.2, residues 231-251): AAELQTGLET[Asn241Ser]RLIFEDKATP